The following is an entry in ClinVar:

NM_001042492.3(NF1):c.5497C>G (p.Leu1833Val)

Gene: NF1 (neurofibromin 1; plus strand). Cytogenetic location: 17q11.2.
Variant type: single nucleotide variant.
Coding change: c.5497C>G on transcript NM_001042492.3 (MANE Select); coding-DNA position 5497, C replaced by G.
Protein change: p.Leu1833Val; replaces leucine 1833 with valine.
Molecular consequence: missense variant.
Genome position (GRCh38, 1-based): chr17:31,327,727, C>G. VCF-style: chr17-31327727-C-G. GRCh37 (hg19) VCF-style: chr17-29654745-C-G.
Other names: c.5434C>G, p.Leu1812Val (NM_000267.4); short protein forms L1833V, L1812V.
Identifiers: ClinVar variation 825733 (VCV000825733.4), dbSNP rs372932380, ClinGen allele CA399009605.

ClinVar aggregate classification (germline): Uncertain significance (1 of 4 stars; one submission).

Conditions:
Hereditary cancer-predisposing syndrome. Also called: Neoplastic Syndromes, Hereditary; Tumor predisposition; Hereditary neoplastic syndrome; Hereditary Cancer Syndrome. Identifiers: Orphanet 140162, MedGen C0027672, MeSH D009386, MONDO:0015356.
Cardiovascular phenotype. Identifiers: MedGen CN230736.

gnomAD v4.1: 2 of 1,614,142 alleles (0.00012%); highest among the groups gnomAD compares: Non-Finnish European, 0.00017%; no homozygotes.

Submission:

Ambry Genetics
Classification: Uncertain significance for Cardiovascular phenotype; Hereditary cancer-predisposing syndrome. Last evaluated: 2018-04-13. Review status: criteria provided, single submitter. Criteria: Ambry Variant Classification Scheme 2023. Collection method: clinical testing. Allele origin: germline.
Comment: The p.L1812V variant (also known as c.5434C>G), located in coding exon 37 of the NF1 gene, results from a C to G substitution at nucleotide position 5434. The leucine at codon 1812 is replaced by valine, an amino acid with highly similar properties. This amino acid position is highly conserved in available vertebrate species. In addition, this alteration is predicted to be deleterious by in silico analysis. Since supporting evidence is limited at this time, the clinical significance of this alteration remains unclear.